The following is an entry in ClinVar:

ClinVar aggregate classification (germline): Uncertain significance (1 of 4 stars; one submission).

gnomAD v4.1: 10 of 1,613,436 alleles (0.00062%); highest among the groups gnomAD compares: Non-Finnish European, 0.00085%; no homozygotes.

Submission:

Labcorp Genetics (formerly Invitae), Labcorp
Classification: Uncertain significance. Last evaluated: 2024-02-22. Review status: criteria provided, single submitter. Criteria: Invitae Variant Classification Sherloc (09022015). Collection method: clinical testing. Allele origin: germline.
Comment: This sequence change replaces proline, which is neutral and non-polar, with alanine, which is neutral and non-polar, at codon 82 of the LRRC8A protein (p.Pro82Ala). This variant is not present in population databases (gnomAD no frequency). This variant has not been reported in the literature in individuals affected with LRRC8A-related conditions. Algorithms developed to predict the effect of missense changes on protein structure and function output the following: SIFT: "Not Available"; PolyPhen-2: "Benign"; Align-GVGD: "Not Available". The alanine amino acid residue is found in multiple mammalian species, which suggests that this missense change does not adversely affect protein function. In summary, the available evidence is currently insufficient to determine the role of this variant in disease. Therefore, it has been classified as a Variant of Uncertain Significance.

NM_019594.4(LRRC8A):c.244C>G (p.Pro82Ala)

Gene: LRRC8A (leucine rich repeat containing 8 VRAC subunit A; plus strand). Cytogenetic location: 9q34.11.
Variant type: single nucleotide variant.
Coding change: c.244C>G on transcript NM_019594.4 (MANE Select); coding-DNA position 244, C replaced by G.
Protein change: p.Pro82Ala; replaces proline 82 with alanine.
Molecular consequence: missense variant.
Genome position (GRCh38, 1-based): chr9:128,907,408, C>G. VCF-style: chr9-128907408-C-G. GRCh37 (hg19) VCF-style: chr9-131669687-C-G.
Other names: c.244C>G, p.Pro82Ala (NM_001127244.2, NM_001127245.2); short protein forms P82A.
Identifiers: ClinVar variation 3681017 (VCV003681017.2).
Genomic context (GRCh38, chr9:128,907,408, plus strand): 5'-AAGGACTCCTGCAATGATTCGTTCCGGGGCTGGGCAGCCCCTGGCCCGGAGCCCACCTAC[C>G]CCAACTCCACCATTCTGCCGACCCCTGACACGGGCCCCACAGGCATCAAGTATGACCTGG-3'
Protein context (NP_062540.2, residues 72-92): WAAPGPEPTY[Pro82Ala]NSTILPTPDT